The following is an entry in ClinVar:

ClinVar aggregate classification (germline): Conflicting classifications of pathogenicity. Review status: criteria provided, conflicting classifications (1 of 4 stars). 5 submissions from 5 submitters: Uncertain significance (3); Likely benign (1). 1 of the submissions does not count toward it. Last evaluated 2025-07-23.

Conditions:
Inborn genetic diseases. Identifiers: MedGen C0950123, MeSH D030342.
HERC2-related disorder. Also called: HERC2-related condition.
Developmental delay with autism spectrum disorder and gait instability (MRT38). Also called: Intellectual developmental disorder, autosomal recessive 38. Identifiers: Orphanet 329195, MedGen C3809753, MONDO:0014224, OMIM 615516.

Allele frequency attached by ClinVar (database versions not stated): gnomAD exomes 0.00036; 1000 Genomes Project 0.00040; 1000 Genomes Project 30x 0.00047; ExAC 0.00047; gnomAD 0.00127 and 0.00137; TOPMed 0.00137; ESP Exome Variant Server 0.00192.
gnomAD v4.1: 367 of 1,614,010 alleles (0.023%); highest among the groups gnomAD compares: African/African-American, 0.44%; 4 homozygotes.

Submissions (5):

GeneDx
Classification: Uncertain significance. Last evaluated: 2025-07-23. Review status: criteria provided, single submitter. Criteria: GeneDx Variant Classification Process June 2021. Collection method: clinical testing. Allele origin: germline. Affected: yes.
Comment: In silico analysis supports that this missense variant does not alter protein structure/function; Has not been previously published as pathogenic or benign to our knowledge

Blueprint Genetics
Classification: Uncertain significance. Last evaluated: 2024-08-06. Review status: criteria provided, single submitter. Criteria: ACMG Guidelines, 2015. Collection method: clinical testing. Allele origin: germline.

MGZ Medical Genetics Center
Classification: Uncertain significance for Developmental delay with autism spectrum disorder and gait instability. Last evaluated: 2021-08-26. Review status: criteria provided, single submitter. Criteria: ACMG Guidelines, 2015. Collection method: clinical testing. Allele origin: germline. Affected: yes. Observed: 2 variant alleles.
Comment: ACMG criteria applied: PM2_SUP

Ambry Genetics
Classification: Likely benign for Inborn genetic diseases. Last evaluated: 2021-05-26. Review status: criteria provided, single submitter. Criteria: Ambry Variant Classification Scheme 2023. Collection method: clinical testing. Allele origin: germline.

PreventionGenetics, part of Exact Sciences
Classification: Likely benign for HERC2-related condition. Last evaluated: 2022-07-08. Review status: no assertion criteria provided. Collection method: clinical testing. Allele origin: germline. Not counted in ClinVar's aggregate classification.
Comment: This variant is classified as likely benign based on ACMG/AMP sequence variant interpretation guidelines (Richards et al. 2015 PMID: 25741868, with internal and published modifications).

NM_004667.6(HERC2):c.8342G>C (p.Ser2781Thr)

Gene: HERC2 (HECT and RLD domain containing E3 ubiquitin protein ligase 2; minus strand). Cytogenetic location: 15q13.1.
Variant type: single nucleotide variant.
Coding change: c.8342G>C on transcript NM_004667.6 (MANE Select); coding-DNA position 8342, G replaced by C.
Protein change: p.Ser2781Thr; replaces serine 2781 with threonine.
Molecular consequence: missense variant.
Genome position (GRCh38, 1-based): chr15:28,192,070, C>G on the plus strand (G>C on the coding strand, the complement: HERC2 is on the minus strand). VCF-style: chr15-28192070-C-G. GRCh37 (hg19) VCF-style: chr15-28437216-C-G.
Other names: c.8342G>C (NM_004667.4); short protein forms S2781T.
Identifiers: ClinVar variation 452636 (VCV000452636.14), dbSNP rs146558015, ClinGen allele CA7441503.